The following is an entry in ClinVar:

NM_000368.5(TSC1):c.447G>A (p.Gln149=)

Gene: TSC1 (TSC complex subunit 1; minus strand). Cytogenetic location: 9q34.13.
Variant type: single nucleotide variant.
Coding change: c.447G>A on transcript NM_000368.5 (MANE Select); coding-DNA position 447, G replaced by A.
Protein change: p.Gln149=; no amino-acid change (glutamine 149 retained).
Molecular consequence: synonymous variant. On other transcripts: 5 prime UTR variant (5), non-coding transcript variant (5).
Genome position (GRCh38, 1-based): chr9:132,923,409, C>T on the plus strand (G>A on the coding strand, the complement: TSC1 is on the minus strand). VCF-style: chr9-132923409-C-T. GRCh37 (hg19) VCF-style: chr9-135798796-C-T.
Other names: c.447G>A, p.Gln149= (NM_001162426.2, NM_001406592.1, NM_001406593.1 and 16 more transcripts); c.294G>A, p.Gln98= (NM_001162427.2, NM_001406610.1, NM_001406611.1 and 2 more transcripts); c.84G>A, p.Gln28= (NM_001362177.2, NM_001406614.1, NM_001406615.1 and 10 more transcripts); c.-431G>A (NM_001406626.1, NM_001406627.1, NM_001406628.1); c.-573G>A (NM_001406629.1); c.-647G>A (NM_001406630.1).
Identifiers: ClinVar variation 1740893 (VCV001740893.8), dbSNP rs2132189396, ClinGen allele CA467593965.

ClinVar aggregate classification (germline): Benign/Likely benign. Review status: criteria provided, multiple submitters, no conflicts (2 of 4 stars). 3 submissions from 3 submitters: Benign (1); Likely benign (2). Last evaluated 2026-01-05.

Conditions:
Hereditary cancer-predisposing syndrome. Also called: Neoplastic Syndromes, Hereditary; Tumor predisposition; Hereditary Cancer Syndrome; Hereditary neoplastic syndrome. Identifiers: Orphanet 140162, MedGen C0027672, MeSH D009386, MONDO:0015356.
Tuberous sclerosis 1 (TSC1). Identifiers: Orphanet 805, MedGen C1854465, MONDO:0008612, OMIM 191100.

Submissions (3):

Labcorp Genetics (formerly Invitae), Labcorp
Classification: Likely benign for Tuberous sclerosis 1. Last evaluated: 2026-01-05. Review status: criteria provided, single submitter. Criteria: Invitae Variant Classification Sherloc (09022015). Collection method: clinical testing. Allele origin: germline.

Myriad Genetics, Inc.
Classification: Benign for Tuberous sclerosis 1. Last evaluated: 2025-04-08. Review status: criteria provided, single submitter. Criteria: Myriad Autosomal Dominant, Autosomal Recessive and X-Linked Classification Criteria (2023). Collection method: clinical testing. Allele origin: unknown.
Comment: This variant is considered benign. This variant is a silent/synonymous amino acid change and it is not expected to impact splicing.

Ambry Genetics
Classification: Likely benign for Hereditary cancer-predisposing syndrome. Last evaluated: 2021-12-15. Review status: criteria provided, single submitter. Criteria: Ambry Variant Classification Scheme 2023. Collection method: clinical testing. Allele origin: germline.